The following is an entry in ClinVar:

NM_000215.4(JAK3):c.1914G>T (p.Leu638=)

Gene: JAK3 (Janus kinase 3; minus strand). Cytogenetic location: 19p13.11.
Variant type: single nucleotide variant.
Coding change: c.1914G>T on transcript NM_000215.4 (MANE Select); coding-DNA position 1914, G replaced by T.
Protein change: p.Leu638=; no amino-acid change (leucine 638 retained).
Molecular consequence: synonymous variant.
Genome position (GRCh38, 1-based): chr19:17,835,924, C>A on the plus strand (G>T on the coding strand, the complement: JAK3 is on the minus strand). VCF-style: chr19-17835924-C-A. GRCh37 (hg19) VCF-style: chr19-17946733-C-A.
Other names: NM_000215.4:c.1914G>T; c.1914G>T, p.Leu638= (NM_001440439.1).
Identifiers: ClinVar variation 4974999 (VCV004974999.1).

ClinVar aggregate classification (germline): Likely pathogenic (3 of 4 stars; one submission).

Conditions:
T-B+ severe combined immunodeficiency due to JAK3 deficiency. Also called: SCID, T CELL-NEGATIVE, B CELL-POSITIVE, NK CELL-NEGATIVE; SCID, autosomal recessive, T-negative/B-positive type. Identifiers: Orphanet 35078, MedGen C1833275, MONDO:0010938, OMIM 600802.

Submission:

ClinGen Severe Combined Immunodeficiency Variant Curation Expert Panel, ClinGen
Classification: Likely pathogenic for T-B+ severe combined immunodeficiency due to JAK3 deficiency. Last evaluated: 2026-08-28. Review status: reviewed by expert panel. Criteria: ClinGen SCID ACMG Specifications JAK3 V2.3. Collection method: curation. Allele origin: germline. Inheritance: Autosomal recessive inheritance.
Comment: NM_000215.4(JAK3):c.1914G>T is a synonymous variant located at the last nucleotide of exon 14, adjacent to the splice donor site. Although computational splice predictors (SpliceAI) did not predict a splicing impact, functional studies directly demonstrate that this variant disrupts the native donor site: RT-PCR and Sanger sequencing of patient-derived PBMC RNA, and an independent minigene splicing assay, both confirmed skipping of exon 14 (128 bp), predicted to result in a frameshift (p.Leu596ArgfsTer22). This frameshift occurs well upstream of the NMD escape boundary (exon 23/24), and the mutant transcript was detected at reduced abundance (~1/3 of wild-type), consistent with nonsense-mediated decay, meeting PVS1_Strong. This variant is absent in the general population according to gnomAD v4.1.1, meeting PM2_Supporting. Whole exome sequencing was performed and identified this variant in compound heterozygous state with c.1048C>T (p.Arg350Trp) as the causative finding, with no alternative explanation identified (1.0 point). A quantitative CD3+ T-cell count was not reported, so the PIDTC 2022 diagnostic-criteria point could not be confirmed. A total of 1.5 points were assigned, meeting the threshold for PP4 (PMID: 40225147). As the trans-partner variant (c.1048C>T, p.Arg350Trp) has not yet been independently classified as pathogenic/likely pathogenic under SCID VCEP specifications, PM3 cannot be applied without introducing circularity, and is therefore not scored for this variant. In summary, this variant meets the criteria to be classified as Likely Pathogenic for autosomal recessive severe combined immunodeficiency due to JAK3 deficiency based on the ACMG/AMP criteria applied, as specified by the ClinGen SCID VCEP: PVS1_Strong, PM2_Supporting, PP4 (VCEP specifications version 2.3.0).